The following is an entry in ClinVar:

NM_003737.4(DCHS1):c.8528G>T (p.Gly2843Val)

Gene: DCHS1 (dachsous cadherin-related 1; minus strand). Cytogenetic location: 11p15.4.
Variant type: single nucleotide variant.
Coding change: c.8528G>T on transcript NM_003737.4 (MANE Select); coding-DNA position 8528, G replaced by T.
Protein change: p.Gly2843Val; replaces glycine 2843 with valine.
Molecular consequence: missense variant.
Genome position (GRCh38, 1-based): chr11:6,623,148, C>A on the plus strand (G>T on the coding strand, the complement: DCHS1 is on the minus strand). VCF-style: chr11-6623148-C-A. GRCh37 (hg19) VCF-style: chr11-6644379-C-A.
Other names: short protein forms G2843V.
Identifiers: ClinVar variation 3363468 (VCV003363468.1).

ClinVar aggregate classification (germline): Uncertain significance (1 of 4 stars; one submission).

Submission:

GeneDx
Classification: Uncertain significance. Last evaluated: 2023-10-26. Review status: criteria provided, single submitter. Criteria: GeneDx Variant Classification Process June 2021. Collection method: clinical testing. Allele origin: germline. Affected: yes.
Comment: Has not been previously published as pathogenic or benign to our knowledge; Not observed at significant frequency in large population cohorts (gnomAD); In silico analysis supports that this missense variant has a deleterious effect on protein structure/function